The following is an entry in ClinVar:

NM_024426.6(WT1):c.163G>A (p.Ala55Thr)

Genes: WT1 (WT1 transcription factor; minus strand), LOC107982234 (WT1/WT1-AS bi-directional promoter region; plus strand). Cytogenetic location: 11p13.
Variant type: single nucleotide variant.
Coding change: c.163G>A on transcript NM_024426.6 (MANE Select); coding-DNA position 163, G replaced by A.
Protein change: p.Ala55Thr; replaces alanine 55 with threonine.
Molecular consequence: missense variant. On other transcripts: non-coding transcript variant (1).
Genome position (GRCh38, 1-based): chr11:32,435,198, C>T on the plus strand (G>A on the coding strand, the complement: WT1 is on the minus strand). VCF-style: chr11-32435198-C-T. GRCh37 (hg19) VCF-style: chr11-32456744-C-T.
Other names: c.163G>A, p.Ala55Thr (NM_000378.6, NM_001407044.1, NM_001407045.1 and 6 more transcripts); c.148G>A, p.Ala50Thr (NM_024425.2); c.148G>A (NM_024426.4); short protein forms A50T, A55T.
Identifiers: ClinVar variation 1809679 (VCV001809679.2), dbSNP rs1853472865, ClinGen allele CA379966252.
Genomic context (GRCh38, chr11:32,435,198, plus strand): 5'-CCATTTGCTGCGGCTCAGACCCGGACGCCCCGCGGCTCCTCCGGCCCTGGAGACGTTCAG[C>T]GCTGGCCTCGGCGGCGCCTAACTTGGCCCAGATGCCGCCCGGGTCCCGGACTCCCTGCTG-3'
Protein context (NP_077744.4, residues 45-65): WAKLGAAEAS[Ala55Thr]ERLQGRRSRG

ClinVar aggregate classification (germline): Uncertain significance. Review status: criteria provided, multiple submitters, no conflicts (2 of 4 stars). 2 submissions from 2 submitters: Uncertain significance (2). Last evaluated 2023-10-10.

Conditions:
Wilms tumor 1 (WT1). Also called: Wilms tumor, somatic. Identifiers: Orphanet 654, MedGen CN033288, MONDO:0008679, OMIM 194070.
Aniridia 1 (AN1). Identifiers: Orphanet 250923, MedGen C0344542, MONDO:0024507, OMIM 106210.
Frasier syndrome. Identifiers: Orphanet 347, MedGen C0950122, MeSH D052159, MONDO:0007635, OMIM 136680.
Meacham syndrome. Also called: Meacham Winn Culler syndrome. Identifiers: Orphanet 3097, MedGen C1837026, MONDO:0012164, OMIM 608978.
Mesothelioma, malignant (MESOM). Also called: Malignant mesothelioma (disease). Identifiers: Orphanet 50251, MedGen C0345967, MONDO:0006292, OMIM 156240, HP:0100001.
11p partial monosomy syndrome (WAGR). Also called: CHROMOSOME 11p13 DELETION SYNDROME; WAGR syndrome; WAGR Complex; WAGR Spectrum Disorder. Identifiers: Orphanet 893, MedGen C0206115, MONDO:0008681, OMIM 194072.
Nephrotic syndrome, type 4 (NPHS4). Also called: Familial mesangial sclerosis; Nephrotic syndrome, early onset with diffuse mesangial sclerosis. Identifiers: Orphanet 656, MedGen C3151568, MONDO:0009733, OMIM 256370.
Drash syndrome (DDS). Also called: WILMS TUMOR AND PSEUDO- OR TRUE HERMAPHRODITISM; NEPHROPATHY, WILMS TUMOR, AND GENITAL ANOMALIES. Identifiers: Orphanet 220, MedGen C0950121, MONDO:0008682, OMIM 194080.

Submissions (2):

GeneDx
Classification: Uncertain significance. Last evaluated: 2023-10-10. Review status: criteria provided, single submitter. Criteria: GeneDx Variant Classification Process June 2021. Collection method: clinical testing. Allele origin: germline. Affected: yes.
Comment: Not observed at significant frequency in large population cohorts (gnomAD); In silico analysis supports that this missense variant does not alter protein structure/function; Has not been previously published as pathogenic or benign to our knowledge

Fulgent Genetics
Classification: Uncertain significance for Aniridia 1; Frasier syndrome; Mesothelioma, malignant; Wilms tumor 1; 11p partial monosomy syndrome; Drash syndrome; Nephrotic syndrome, type 4; Meacham syndrome. Last evaluated: 2022-02-04. Review status: criteria provided, single submitter. Criteria: ACMG Guidelines, 2015. Collection method: clinical testing. Allele origin: unknown.